The following is an entry in ClinVar:

NM_001184880.2(PCDH19):c.1667T>C (p.Val556Ala)

Gene: PCDH19 (protocadherin 19; minus strand). Cytogenetic location: Xq22.1.
Variant type: single nucleotide variant.
Coding change: c.1667T>C on transcript NM_001184880.2 (MANE Select); coding-DNA position 1667, T replaced by C.
Protein change: p.Val556Ala; replaces valine 556 with alanine.
Molecular consequence: missense variant.
Genome position (GRCh38, 1-based): chrX:100,406,931, A>G on the plus strand (T>C on the coding strand, the complement: PCDH19 is on the minus strand). VCF-style: chrX-100406931-A-G. GRCh37 (hg19) VCF-style: chrX-99661929-A-G.
Other names: c.1667T>C, p.Val556Ala (NM_001105243.2, NM_020766.3); short protein forms V556A.
Identifiers: ClinVar variation 3673310 (VCV003673310.2).

ClinVar aggregate classification (germline): Uncertain significance (1 of 4 stars; one submission).

Conditions:
Developmental and epileptic encephalopathy, 9 (DEE9). Also called: JUBERG-HELLMAN SYNDROME; Early infantile epileptic encephalopathy 9; PCDH19-Related X-Linked Female-Limited Epilepsy with Mental Retardation; EPILEPSY, FEMALE-RESTRICTED, WITH MENTAL RETARDATION. Identifiers: Orphanet 101039, Orphanet 2076, MedGen C1848137, MONDO:0010246, OMIM 300088. Disease mechanism: loss of function.

Submission:

Labcorp Genetics (formerly Invitae), Labcorp
Classification: Uncertain significance for Developmental and epileptic encephalopathy, 9. Last evaluated: 2024-04-17. Review status: criteria provided, single submitter. Criteria: Invitae Variant Classification Sherloc (09022015). Collection method: clinical testing. Allele origin: germline.
Comment: This sequence change replaces valine, which is neutral and non-polar, with alanine, which is neutral and non-polar, at codon 556 of the PCDH19 protein (p.Val556Ala). This variant is not present in population databases (gnomAD no frequency). This variant has not been reported in the literature in individuals affected with PCDH19-related conditions. Advanced modeling of protein sequence and biophysical properties (such as structural, functional, and spatial information, amino acid conservation, physicochemical variation, residue mobility, and thermodynamic stability) performed at Invitae indicates that this missense variant is not expected to disrupt PCDH19 protein function with a negative predictive value of 95%. In summary, the available evidence is currently insufficient to determine the role of this variant in disease. Therefore, it has been classified as a Variant of Uncertain Significance.